The following is an entry in ClinVar:

NM_001201427.2(DAAM2):c.1790G>A (p.Arg597His)

Gene: DAAM2 (dishevelled associated activator of morphogenesis 2; plus strand). Cytogenetic location: 6p21.2.
Variant type: single nucleotide variant.
Coding change: c.1790G>A on transcript NM_001201427.2 (MANE Select); coding-DNA position 1790, G replaced by A.
Protein change: p.Arg597His; replaces arginine 597 with histidine.
Molecular consequence: missense variant.
Genome position (GRCh38, 1-based): chr6:39,879,422, G>A. VCF-style: chr6-39879422-G-A. GRCh37 (hg19) VCF-style: chr6-39847198-G-A.
Other names: c.1790G>A, p.Arg597His (NM_015345.4); short protein forms R597H.
Identifiers: ClinVar variation 3034820 (VCV003034820.2), dbSNP rs181701991, ClinGen allele CA3795043.

ClinVar aggregate classification (germline): Benign (0 of 4 stars; one submission).

Conditions:
DAAM2-related disorder. Also called: DAAM2-related condition.

Allele frequency attached by ClinVar (database versions not stated): 1000 Genomes Project 0.00240; 1000 Genomes Project 30x 0.00281.
gnomAD v4.1: 882 of 1,613,808 alleles (0.055%); highest among the groups gnomAD compares: East Asian, 0.7%; 3 homozygotes.

Submission:

PreventionGenetics, part of Exact Sciences
Classification: Benign for DAAM2-related condition. Last evaluated: 2019-08-06. Review status: no assertion criteria provided. Collection method: clinical testing. Allele origin: germline.
Comment: This variant is classified as benign based on ACMG/AMP sequence variant interpretation guidelines (Richards et al. 2015 PMID: 25741868, with internal and published modifications).